The following is an entry in ClinVar:

NM_025114.4(CEP290):c.2561A>G (p.Asp854Gly)

Gene: CEP290 (centrosomal protein 290; minus strand). Cytogenetic location: 12q21.32.
Variant type: single nucleotide variant.
Coding change: c.2561A>G on transcript NM_025114.4 (MANE Select); coding-DNA position 2561, A replaced by G.
Protein change: p.Asp854Gly; replaces aspartic acid 854 with glycine.
Molecular consequence: missense variant.
Genome position (GRCh38, 1-based): chr12:88,107,021, T>C on the plus strand (A>G on the coding strand, the complement: CEP290 is on the minus strand). VCF-style: chr12-88107021-T-C. GRCh37 (hg19) VCF-style: chr12-88500798-T-C.
Other names: short protein forms D854G.
Identifiers: ClinVar variation 3352529 (VCV003352529.1).

ClinVar aggregate classification (germline): Uncertain significance (0 of 4 stars; one submission).

Conditions:
CEP290-related disorder. Also called: CEP290-related condition; CEP290-related disorders. Identifiers: MedGen CN239314.

gnomAD v4.1: 5 of 1,553,212 alleles (0.00032%); highest among the groups gnomAD compares: East Asian, 0.0023%; no homozygotes.

Submission:

PreventionGenetics, part of Exact Sciences
Classification: Uncertain significance for CEP290-related condition. Last evaluated: 2023-10-18. Review status: no assertion criteria provided. Collection method: clinical testing. Allele origin: germline.
Comment: The CEP290 c.2561A>G variant is predicted to result in the amino acid substitution p.Asp854Gly. To our knowledge, this variant has not been reported in the literature. This variant is reported in 0.0014% of alleles in individuals of European (Non-Finnish) descent in gnomAD. At this time, the clinical significance of this variant is uncertain due to the absence of conclusive functional and genetic evidence.